The following is an entry in ClinVar:

ClinVar aggregate classification (germline): Pathogenic (1 of 4 stars; one submission).

Submission:

Illumina Laboratory Services, Illumina
Classification: Pathogenic. Last evaluated: 2019-11-19. Review status: criteria provided, single submitter. Criteria: ICSL CNVClassificationCriteria Jul2020Prior. Collection method: clinical testing. Allele origin: unknown.
Comment: This CNV is a 1.4 Mb deletion of Xq22.3-q23 on chromosome X, (seq[GRCh37]del(X)(q22.3q23); chrX:g.108168780_109606201del), and was found in a de novo state. This CNV constitutes a loss encompassing the following genes: GUCY2F, NXT2, KCNE5, ACSL4, MIR6087, TMEM164, MIR652, MIR3978, SNORD96B and AMMECR1. The distal breakpoint of the CNV disrupts the AMMECR1 gene, likely in intron 2. The proximal breakpoint lies towards, but does not disrupt, the COL4A5 gene. This CNV has not been reported in controls. A 1.6 Mb de novo deletion, very similar to this CNV, has been reported in one individual with moderate intellectual disability, sensorineural hearing loss, facial dysmorphism, pyloris stenosis, psychomotor delay, intestinal obstruction, and delayed tooth eruption (Gazou et al. 2013). Smaller deletions of 70 to 146 kb in the same region, affecting the AMMECR1 gene and one other gene, have also been reported in two unrelated individuals who presented with intellectual disability, neurodevelopmental delay and sensorineural hearing loss (Poreau et al. 2019). Major phenotypes seen in these individuals have also been seen in patients with pathogenic variants in the AMMERC1 gene, providing further evidence of involvement of the AMMERC1 gene in the phenotypes seen in the proband (Moyses-Oliveira et al. 2018). In addition, evidence from the literature confirms loss of the ACSL4 gene in association with intellectual disability (Meloni et al. 2002). Based on the collective evidence, this CNV is classified as pathogenic.

Literature cited by the submitters: PubMed 12011158; PubMed 23520119; PubMed 29193635; PubMed 30737907.

GRCh37/hg19 Xq22.3-23(chrX:108168780-109606201)x0

Genes: ACSL4 (acyl-CoA synthetase long chain family member 4; minus strand), AMMECR1 (AMMECR nuclear protein 1; minus strand), GUCY2F (guanylate cyclase 2F, retinal; minus strand), KCNE5 (potassium voltage-gated channel subfamily E regulatory subunit 5; minus strand), NXT2 (nuclear transport factor 2 like export factor 2; plus strand) and 1 more. Cytogenetic location: Xq22.3-23.
Variant type: copy number loss.
Change: copy number 0 of chrX:108,168,780-109,606,201 (1.44 Mb, GRCh37 coordinates, 1-based), cytogenetic band Xq22.3-23.
Identifiers: ClinVar variation 1180512 (VCV001180512.4).